The following is an entry in ClinVar:

NM_052909.5(PLEKHG4B):c.4041C>T (p.Arg1347=)

Gene: PLEKHG4B (pleckstrin homology and RhoGEF domain containing G4B; plus strand). Cytogenetic location: 5p15.33.
Variant type: single nucleotide variant.
Coding change: c.4041C>T on transcript NM_052909.5 (MANE Select); coding-DNA position 4041, C replaced by T.
Protein change: p.Arg1347=; no amino-acid change (arginine 1347 retained).
Molecular consequence: synonymous variant.
Genome position (GRCh38, 1-based): chr5:171,435, C>T. VCF-style: chr5-171435-C-T. GRCh37 (hg19) VCF-style: chr5-171550-C-T.
Identifiers: ClinVar variation 2655237 (VCV002655237.24), dbSNP rs116602351, ClinGen allele CA3171732.

ClinVar aggregate classification (germline): Likely benign (1 of 4 stars; one submission).

Allele frequency attached by ClinVar (database versions not stated): 1000 Genomes Project 30x 0.00109; 1000 Genomes Project 0.00140; TOPMed 0.00249; ESP Exome Variant Server 0.00285; gnomAD 0.00325; ExAC 0.00329; gnomAD exomes 0.00416.
gnomAD v4.1: 6,388 of 1,593,374 alleles (0.4%); highest among the groups gnomAD compares: Non-Finnish European, 0.47%; 12 homozygotes.

Submission:

CeGaT Center for Human Genetics Tuebingen
Classification: Likely benign. Last evaluated: 2022-10-01. Review status: criteria provided, single submitter. Criteria: CeGaT Center For Human Genetics Tuebingen Variant Classification Criteria Version 2. Collection method: clinical testing. Allele origin: germline. Affected: yes. Observed: 1 variant allele.
Comment: PLEKHG4B: BP4, BP7